The following is an entry in ClinVar:

NM_004100.5(EYA4):c.1739-118G>A

Genes: EYA4 (EYA transcriptional coactivator and phosphatase 4; plus strand), TARID (TCF21 antisense RNA inducing promoter demethylation; minus strand). Cytogenetic location: 6q23.2.
Variant type: single nucleotide variant.
Coding change: c.1739-118G>A on transcript NM_004100.5 (MANE Select); 118 bases into the intron before coding-DNA position 1739, G replaced by A.
Molecular consequence: intron variant. On other transcripts: missense variant (3).
Genome position (GRCh38, 1-based): chr6:133,525,036, G>A. VCF-style: chr6-133525036-G-A. GRCh37 (hg19) VCF-style: chr6-133846174-G-A.
Other names: c.1598G>A, p.Arg533His (NM_001301012.2); c.1691G>A, p.Arg564His (NM_001370458.1); c.1760G>A, p.Arg587His (NM_172105.4); c.1757-118G>A (NM_001301013.2); c.1670-118G>A (NM_172103.4); c.1595-118G>A (NM_001370459.1); short protein forms R587H, R533H, R564H.
Identifiers: ClinVar variation 929898 (VCV000929898.7), dbSNP rs757084701, ClinGen allele CA4008458.
Genomic context (GRCh38, chr6:133,525,036, plus strand): 5'-TGCAGTGGCTGGAAGAATAAGCAGTGCATTGTTTTTCAGGCAAGGAAAGCTGTTTTGAGC[G>A]TATAGTGTCCAGATTTGGCACTAACATAACTTATGTTGTGATTGGAGATGGCCGAGATGA-3'

ClinVar aggregate classification (germline): Uncertain significance. Review status: criteria provided, multiple submitters, no conflicts (2 of 4 stars). 2 submissions from 2 submitters: Uncertain significance (2). Last evaluated 2025-11-11.

Allele frequency attached by ClinVar (database versions not stated): gnomAD exomes 0.00004 and 0.00006; TOPMed 0.00006; gnomAD 0.00007 and 0.00006; ExAC 0.00005.
gnomAD v4.1: 68 of 1,613,396 alleles (0.0042%); highest among the groups gnomAD compares: Middle Eastern, 0.016%; no homozygotes.

Submissions (2):

GeneDx
Classification: Uncertain significance. Last evaluated: 2025-11-11. Review status: criteria provided, single submitter. Criteria: GeneDx Variant Classification Process June 2021. Collection method: clinical testing. Allele origin: germline. Affected: yes.
Comment: Has not been previously published as pathogenic or benign to our knowledge; In silico analysis supports a deleterious effect on splicing; Reported using an alternate transcript of the gene

Laboratory for Molecular Medicine, Mass General Brigham Personalized Medicine
Classification: Uncertain significance. Last evaluated: 2019-03-15. Review status: criteria provided, single submitter. Criteria: LMM Criteria. Collection method: clinical testing. Allele origin: germline. Observed: 2 variant alleles.
Comment: The p.Arg587His variant in EYA4 has not been previously reported in individuals with hearing loss but has been identified in 0.006% (9/128994) of European chromosomes by gnomAD. Computational prediction tools and conservation analysis suggest that this variant may impact the protein, though this information is not predictive enough to determine pathogenicity. In summary, the clinical significance of this variant is uncertain. ACMG/AMP Criteria applied: PP3.